The following is an entry in ClinVar:

NM_001382430.1(AKT1):c.1141T>C (p.Ser381Pro)

Gene: AKT1 (AKT serine/threonine kinase 1; minus strand). Cytogenetic location: 14q32.33.
Variant type: single nucleotide variant.
Coding change: c.1141T>C on transcript NM_001382430.1 (MANE Select); coding-DNA position 1141, T replaced by C.
Protein change: p.Ser381Pro; replaces serine 381 with proline.
Molecular consequence: missense variant.
Genome position (GRCh38, 1-based): chr14:104,772,909, A>G on the plus strand (T>C on the coding strand, the complement: AKT1 is on the minus strand). VCF-style: chr14-104772909-A-G. GRCh37 (hg19) VCF-style: chr14-105239246-A-G.
Other names: c.1141T>C, p.Ser381Pro (NM_001014431.2, NM_001014432.2, NM_001382431.1 and 3 more transcripts); short protein forms S381P.
Identifiers: ClinVar variation 4869267 (VCV004869267.1).

ClinVar aggregate classification (germline): Uncertain significance (1 of 4 stars; one submission).

Conditions:
Inborn genetic diseases. Identifiers: MedGen C0950123, MeSH D030342.

Submission:

Ambry Genetics
Classification: Uncertain significance for Inborn genetic diseases. Last evaluated: 2026-06-10. Review status: criteria provided, single submitter. Criteria: Ambry Variant Classification Scheme 2023. Collection method: clinical testing. Allele origin: germline.
Comment: The p.S381P variant (also known as c.1141T>C), located in coding exon 10 of the AKT1 gene, results from a T to C substitution at nucleotide position 1141. The serine at codon 381 is replaced by proline, an amino acid with similar properties. This amino acid position is conserved. In addition, the in silico prediction for this alteration is inconclusive. Based on the available evidence, the clinical significance of this variant remains unclear.